The following is an entry in ClinVar:

ClinVar aggregate classification (germline): Uncertain significance (1 of 4 stars; one submission).

Submission:

Labcorp Genetics (formerly Invitae), Labcorp
Classification: Uncertain significance. Last evaluated: 2025-10-14. Review status: criteria provided, single submitter. Criteria: Invitae Variant Classification Sherloc (09022015). Collection method: clinical testing. Allele origin: germline.
Comment: This sequence change replaces leucine, which is neutral and non-polar, with phenylalanine, which is neutral and non-polar, at codon 88 of the DNAJC21 protein (p.Leu88Phe). This variant is not present in population databases (gnomAD no frequency). This variant has not been reported in the literature in individuals affected with DNAJC21-related conditions. An algorithm developed to predict the effect of missense changes on protein structure and function (PolyPhen-2) suggests that this variant is likely to be disruptive. In summary, the available evidence is currently insufficient to determine the role of this variant in disease. Therefore, it has been classified as a Variant of Uncertain Significance.

NM_001012339.3(DNAJC21):c.264G>C (p.Leu88Phe)

Gene: DNAJC21 (DnaJ heat shock protein family (Hsp40) member C21; plus strand). Cytogenetic location: 5p13.2.
Variant type: single nucleotide variant.
Coding change: c.264G>C on transcript NM_001012339.3 (MANE Select); coding-DNA position 264, G replaced by C.
Protein change: p.Leu88Phe; replaces leucine 88 with phenylalanine.
Molecular consequence: missense variant.
Genome position (GRCh38, 1-based): chr5:34,935,782, G>C. VCF-style: chr5-34935782-G-C. GRCh37 (hg19) VCF-style: chr5-34935887-G-C.
Other names: c.264G>C, p.Leu88Phe (NM_001348420.2, NM_194283.4); short protein forms L88F.
Identifiers: ClinVar variation 4798246 (VCV004798246.1).
Genomic context (GRCh38, chr5:34,935,782, plus strand): 5'-TAGAGAGGCCCTACTTAAAGGTGGGTTTGATGGCGAATATCAAGATGACAGCTTAGATTT[G>C]CTACGCTATTTCACCGTTACCTGTTATTCTGGTTATGGAGATGATGAAAAGGTAAGATAA-3'
Protein context (NP_001012339.2, residues 78-98): DGEYQDDSLD[Leu88Phe]LRYFTVTCYS